The following is an entry in ClinVar:

ClinVar aggregate classification (germline): Uncertain significance. Review status: criteria provided, multiple submitters, no conflicts (2 of 4 stars). 2 submissions from 2 submitters: Uncertain significance (2). Last evaluated 2025-11-10.

Allele frequency attached by ClinVar (database versions not stated): gnomAD 0.00002; 1000 Genomes Project 30x 0.00016; 1000 Genomes Project 0.00020; gnomAD exomes below 0.00001.
gnomAD v4.1: 7 of 1,550,742 alleles (0.00045%); highest among the groups gnomAD compares: African/African-American, 0.0041%; no homozygotes.

Submissions (2):

Labcorp Genetics (formerly Invitae), Labcorp
Classification: Uncertain significance. Last evaluated: 2025-11-10. Review status: criteria provided, single submitter. Criteria: Invitae Variant Classification Sherloc (09022015). Collection method: clinical testing. Allele origin: germline.
Comment: This sequence change replaces glycine, which is neutral and non-polar, with arginine, which is basic and polar, at codon 433 of the CCDC141 protein (p.Gly433Arg). This variant is not present in population databases (gnomAD no frequency). This variant has not been reported in the literature in individuals affected with CCDC141-related conditions. ClinVar contains an entry for this variant (Variation ID: 2375893). An algorithm developed to predict the effect of missense changes on protein structure and function outputs the following: PolyPhen-2: "Benign". The arginine amino acid residue is found in multiple mammalian species, which suggests that this missense change does not adversely affect protein function. In summary, the available evidence is currently insufficient to determine the role of this variant in disease. Therefore, it has been classified as a Variant of Uncertain Significance.

Ambry Genetics
Classification: Uncertain significance. Last evaluated: 2025-05-14. Review status: criteria provided, single submitter. Criteria: Ambry Variant Classification Scheme 2023. Collection method: clinical testing. Allele origin: germline.

NM_173648.4(CCDC141):c.1297G>C (p.Gly433Arg)

Gene: CCDC141 (coiled-coil domain containing 141; minus strand). Cytogenetic location: 2q31.2.
Variant type: single nucleotide variant.
Coding change: c.1297G>C on transcript NM_173648.4 (MANE Select); coding-DNA position 1297, G replaced by C.
Protein change: p.Gly433Arg; replaces glycine 433 with arginine.
Molecular consequence: missense variant.
Genome position (GRCh38, 1-based): chr2:178,888,637, C>G on the plus strand (G>C on the coding strand, the complement: CCDC141 is on the minus strand). VCF-style: chr2-178888637-C-G. GRCh37 (hg19) VCF-style: chr2-179753364-C-G.
Other names: c.1297G>C, p.Gly433Arg (NM_001316745.2); short protein forms G433R.
Identifiers: ClinVar variation 2375893 (VCV002375893.5), dbSNP rs529414734, ClinGen allele CA61009105.